The following is an entry in ClinVar:

ClinVar aggregate classification (germline): Uncertain significance (1 of 4 stars; one submission).

Submission:

Labcorp Genetics (formerly Invitae), Labcorp
Classification: Uncertain significance. Last evaluated: 2024-03-05. Review status: criteria provided, single submitter. Criteria: Invitae Variant Classification Sherloc (09022015). Collection method: clinical testing. Allele origin: germline.
Comment: This sequence change replaces alanine, which is neutral and non-polar, with serine, which is neutral and polar, at codon 236 of the NLRP1 protein (p.Ala236Ser). This variant is not present in population databases (gnomAD no frequency). This variant has not been reported in the literature in individuals affected with NLRP1-related conditions. An algorithm developed to predict the effect of missense changes on protein structure and function (PolyPhen-2) suggests that this variant is likely to be tolerated. In summary, the available evidence is currently insufficient to determine the role of this variant in disease. Therefore, it has been classified as a Variant of Uncertain Significance.

NM_033004.4(NLRP1):c.706G>T (p.Ala236Ser)

Gene: NLRP1 (NLR family pyrin domain containing 1; minus strand). Cytogenetic location: 17p13.2.
Variant type: single nucleotide variant.
Coding change: c.706G>T on transcript NM_033004.4 (MANE Select); coding-DNA position 706, G replaced by T.
Protein change: p.Ala236Ser; replaces alanine 236 with serine.
Molecular consequence: missense variant.
Genome position (GRCh38, 1-based): chr17:5,559,990, C>A on the plus strand (G>T on the coding strand, the complement: NLRP1 is on the minus strand). VCF-style: chr17-5559990-C-A. GRCh37 (hg19) VCF-style: chr17-5463310-C-A.
Other names: c.706G>T, p.Ala236Ser (NM_001033053.3, NM_014922.5, NM_033006.4 and 1 more transcripts); short protein forms A236S.
Identifiers: ClinVar variation 3644617 (VCV003644617.2).